The following is an entry in ClinVar:

NM_004793.4(LONP1):c.2076A>G (p.Ser692=)

Gene: LONP1 (lon peptidase 1, mitochondrial; minus strand). Cytogenetic location: 19p13.3.
Variant type: single nucleotide variant.
Coding change: c.2076A>G on transcript NM_004793.4 (MANE Select); coding-DNA position 2076, A replaced by G.
Protein change: p.Ser692=; no amino-acid change (serine 692 retained).
Molecular consequence: synonymous variant. On other transcripts: non-coding transcript variant (1).
Genome position (GRCh38, 1-based): chr19:5,694,839, T>C on the plus strand (A>G on the coding strand, the complement: LONP1 is on the minus strand). VCF-style: chr19-5694839-T-C. GRCh37 (hg19) VCF-style: chr19-5694850-T-C.
Other names: c.1884A>G, p.Ser628= (NM_001276479.2); c.1488A>G, p.Ser496= (NM_001276480.1).
Identifiers: ClinVar variation 5001042 (VCV005001042.1).

ClinVar aggregate classification (germline): Likely benign (1 of 4 stars; one submission).

Conditions:
LONP1-related disorder. Also called: LONP1-related disorders; LONP1-related condition.

Submission:

PreventionGenetics, part of Exact Sciences
Classification: Likely benign for LONP1-related condition. Last evaluated: 2025-06-23. Review status: criteria provided, single submitter. Criteria: ACMG Guidelines, 2015. Collection method: clinical testing. Allele origin: germline.
Comment: This variant is classified as likely benign based on ACMG/AMP sequence variant interpretation guidelines (Richards et al. 2015 PMID: 25741868, with internal and published modifications).